The following is an entry in ClinVar:

ClinVar aggregate classification (germline): Conflicting classifications of pathogenicity. Review status: criteria provided, conflicting classifications (1 of 4 stars). 8 submissions from 8 submitters: Uncertain significance (5); Likely benign (1). 2 of the submissions do not count toward it. Last evaluated 2024-11-26.

Conditions:
Cardiovascular phenotype. Identifiers: MedGen CN230736.
Familial long QT syndrome (RWS). Also called: Congenital long QT syndrome; Romano-Ward syndrome; VENTRICULAR FIBRILLATION WITH PROLONGED QT INTERVAL. Identifiers: Orphanet 768, MedGen C1141890, MONDO:0019171.
Atrial fibrillation, familial, 4 (ATFB4). Identifiers: MedGen C1862394, MONDO:0012677, OMIM 611493.
Long QT syndrome 6 (LQT6). Identifiers: Orphanet 101016, Orphanet 768, MedGen C3150953, MONDO:0013370, OMIM 613693.
Long QT syndrome (LQTS). Identifiers: MedGen C0023976, MeSH D008133, MONDO:0002442. Disease mechanism: loss of function. Inheritance: Various modes of inheritance.

Allele frequency attached by ClinVar (database versions not stated): gnomAD 0.00004 and 0.00005; gnomAD exomes 0.00006 and 0.00007; TOPMed 0.00006; ExAC 0.00007; ESP Exome Variant Server 0.00015.
gnomAD v4.1: 104 of 1,614,034 alleles (0.0064%); highest among the groups gnomAD compares: Admixed American, 0.01%; no homozygotes.

Submissions (8):

GeneDx
Classification: Uncertain significance. Last evaluated: 2024-11-26. Review status: criteria provided, single submitter. Criteria: GeneDx Variant Classification Process June 2021. Collection method: clinical testing. Allele origin: germline. Affected: yes.
Comment: Identified in patients with LQTS, aborted cardiac arrest, and Brugada syndrome in published literature (PMID: 16922724, 17275752, 28794082); Identified in a patient with partial epilepsy in published literature (PMID: 30986657); In silico analysis supports that this missense variant has a deleterious effect on protein structure/function; This variant is associated with the following publications: (PMID: 17275752, 25637381, 19862833, 16922724, 22378279, 28794082, 21088333, 31535183, 26220970, 35932045, 30986657)

Labcorp Genetics (formerly Invitae), Labcorp
Classification: Uncertain significance for Long QT syndrome 6. Last evaluated: 2022-10-27. Review status: criteria provided, single submitter. Criteria: Invitae Variant Classification Sherloc (09022015). Collection method: clinical testing. Allele origin: germline.
Comment: This sequence change replaces arginine, which is basic and polar, with tryptophan, which is neutral and slightly polar, at codon 77 of the KCNE2 protein (p.Arg77Trp). This variant is present in population databases (rs141423405, gnomAD 0.01%). This missense change has been observed in individual(s) with or evaluated for long QT syndrome, arrhythmia, or Brugada syndrome (PMID: 16922724, 17275752, 26220970, 28794082). ClinVar contains an entry for this variant (Variation ID: 67614). Algorithms developed to predict the effect of missense changes on protein structure and function are either unavailable or do not agree on the potential impact of this missense change (SIFT: "Deleterious"; PolyPhen-2: "Probably Damaging"; Align-GVGD: "Class C15"). Experimental studies have shown that this missense change does not substantially affect KCNE2 function (PMID: 17275752). In summary, the available evidence is currently insufficient to determine the role of this variant in disease. Therefore, it has been classified as a Variant of Uncertain Significance.

Ambry Genetics
Classification: Likely benign for Cardiovascular phenotype. Last evaluated: 2022-10-17. Review status: criteria provided, single submitter. Criteria: Ambry Variant Classification Scheme 2023. Collection method: clinical testing. Allele origin: germline.

Fulgent Genetics
Classification: Uncertain significance for Atrial fibrillation, familial, 4; Long QT syndrome 6. Last evaluated: 2021-10-02. Review status: criteria provided, single submitter. Criteria: ACMG Guidelines, 2015. Collection method: clinical testing. Allele origin: unknown.

AiLife Diagnostics
Classification: Uncertain significance. Last evaluated: 2020-06-14. Review status: criteria provided, single submitter. Criteria: ACMG Guidelines, 2015. Collection method: clinical testing. Allele origin: germline. Affected: yes. Observed: 1 variant allele.

Women's Health and Genetics/Laboratory Corporation of America, LabCorp
Classification: Uncertain significance. Last evaluated: 2018-09-04. Review status: criteria provided, single submitter. Criteria: LabCorp Variant Classification Summary - May 2015. Collection method: clinical testing. Allele origin: germline.
Comment: Variant summary: KCNE2 c.229C>T (p.Arg77Trp) results in a non-conservative amino acid change in the encoded protein sequence. Four of five in-silico tools predict a damaging effect of the variant on protein function. The variant allele was found at a frequency of 7.7e-05 in 246246 control chromosomes. The observed variant frequency is approximately 1.1 fold of the estimated maximal expected allele frequency for a pathogenic variant in KCNE2 causing Arrhythmia phenotype (7e-05), suggesting that the variant may be benign. c.229C>T has been reported in the literature in individuals affected with LQTS, Brugada syndrome and sudden death (Chevalier_2007, Di Resta_2015, Methner_2016, Millat_2006), without strong evidence for causality. These report(s) do not provide unequivocal conclusions about association of the variant with Arrhythmia. One clinical diagnostic laboratory has submitted clinical-significance assessments for this variant to ClinVar after 2014 without evidence for independent evaluation. One laboratory classified the variant as uncertain significance. Based on the evidence outlined above, the variant was classified as a VUS.

CSER _CC_NCGL, University of Washington
Classification: Uncertain significance for Long QT syndrome. Last evaluated: 2014-06-01. Review status: no assertion criteria provided. Collection method: research. Allele origin: germline. Inheritance: Autosomal dominant inheritance. Study: ESP 6500 variant annotation. Not counted in ClinVar's aggregate classification.
Comment: Variants classified for the Actionable exomic incidental findings in 6503 participants: challenges of variant classification manuscript

Cardiovascular Biomedical Research Unit, Royal Brompton & Harefield NHS Foundation Trust
No classification provided. Condition: Familial long QT syndrome. Review status: no classification provided. Collection method: literature only. Allele origin: germline. Not counted in ClinVar's aggregate classification.
Comment: This variant has been reported as associated with Long QT syndrome in the following publications (PMID:16922724;PMID:17275752;PMID:22378279). This is a literature report, and does not necessarily reflect the clinical interpretation of the Imperial College / Royal Brompton Cardiovascular Genetics laboratory.

Literature cited by the submitters: PubMed 16922724 (cited by 5 submitters); PubMed 17275752 (cited by 5 submitters); PubMed 26220970 (cited by 3 submitters); PubMed 28794082 (cited by 3 submitters); PubMed 22378279 (cited by 3 submitters); PubMed 25637381 (cited by Ambry Genetics and AiLife Diagnostics); PubMed 27435932 (cited by Ambry Genetics and Women's Health and Genetics/Laboratory Corporation of America, LabCorp); PubMed 30986657 (cited by Ambry Genetics and AiLife Diagnostics); PubMed 31535183 (cited by AiLife Diagnostics); PubMed 22581653 (cited by Cardiovascular Biomedical Research Unit, Royal Brompton & Harefield NHS Foundation Trust).

NM_172201.2(KCNE2):c.229C>T (p.Arg77Trp)

Genes: KCNE2 (potassium voltage-gated channel subfamily E regulatory subunit 2; plus strand), LOC105372791 (uncharacterized LOC105372791; minus strand). Cytogenetic location: 21q22.11.
Variant type: single nucleotide variant.
Coding change: c.229C>T on transcript NM_172201.2 (MANE Select); coding-DNA position 229, C replaced by T.
Protein change: p.Arg77Trp; replaces arginine 77 with tryptophan.
Molecular consequence: missense variant.
Genome position (GRCh38, 1-based): chr21:34,370,707, C>T. VCF-style: chr21-34370707-C-T. GRCh37 (hg19) VCF-style: chr21-35743006-C-T.
Other names: p.R77W:CGG>TGG; c.229C>T (LRG_291t1); short protein forms R77W.
Identifiers: ClinVar variation 67614 (VCV000067614.14), dbSNP rs141423405, ClinGen allele CA211462.